The following is an entry in ClinVar:

ClinVar aggregate classification (germline): Uncertain significance (1 of 4 stars; one submission).

Conditions:
Oculodentodigital dysplasia (ODDD). Also called: ODD SYNDROME; Oculodentodigital syndrome. Identifiers: Orphanet 2710, MedGen C0812437, MONDO:0008111, OMIM 164200.

Submission:

Baylor Genetics
Classification: Uncertain significance for Oculodentodigital dysplasia. Last evaluated: 2019-07-27. Review status: criteria provided, single submitter. Criteria: ACMG Guidelines, 2015. Collection method: clinical testing. Allele origin: unknown. Affected: yes.
Comment: This variant was determined to be of uncertain significance according to ACMG Guidelines, 2015 [PMID:25741868].

NM_000165.5(GJA1):c.1111G>A (p.Ala371Thr)

Gene: GJA1 (gap junction protein alpha 1; plus strand). Cytogenetic location: 6q22.31.
Variant type: single nucleotide variant.
Coding change: c.1111G>A on transcript NM_000165.5 (MANE Select); coding-DNA position 1111, G replaced by A.
Protein change: p.Ala371Thr; replaces alanine 371 with threonine.
Molecular consequence: missense variant.
Genome position (GRCh38, 1-based): chr6:121,447,958, G>A. VCF-style: chr6-121447958-G-A. GRCh37 (hg19) VCF-style: chr6-121769104-G-A.
Other names: short protein forms A371T.
Identifiers: ClinVar variation 1028585 (VCV001028585.1), dbSNP rs1773918972, ClinGen allele CA365561123.
Genomic context (GRCh38, chr6:121,447,958, plus strand): 5'-CATGAATTACAGCCACTAGCCATTGTGGACCAGCGACCTTCAAGCAGAGCCAGCAGTCGT[G>A]CCAGCAGCAGACCTCGGCCTGATGACCTGGAGATCTAGATACAGGCTTGAAAGCATCAAG-3'
Protein context (NP_000156.1, residues 361-381): QRPSSRASSR[Ala371Thr]SSRPRPDDLE